The following is an entry in ClinVar:

ClinVar aggregate classification (germline): Likely benign (0 of 4 stars; one submission).

Conditions:
TNRC6B-related disorder. Also called: TNRC6B-related condition.

Allele frequency attached by ClinVar (database versions not stated): gnomAD 0.00001; TOPMed 0.00001; ExAC 0.00002; ESP Exome Variant Server 0.00008.
gnomAD v4.1: 13 of 1,613,738 alleles (0.00081%); highest among the groups gnomAD compares: Non-Finnish European, 0.0011%; 1 homozygote.

Submission:

PreventionGenetics, part of Exact Sciences
Classification: Likely benign for TNRC6B-related condition. Last evaluated: 2022-05-19. Review status: no assertion criteria provided. Collection method: clinical testing. Allele origin: germline.
Comment: This variant is classified as likely benign based on ACMG/AMP sequence variant interpretation guidelines (Richards et al. 2015 PMID: 25741868, with internal and published modifications).

NM_001162501.2(TNRC6B):c.1311C>G (p.Val437=)

Gene: TNRC6B (trinucleotide repeat containing adaptor 6B; plus strand). Cytogenetic location: 22q13.1.
Variant type: single nucleotide variant.
Coding change: c.1311C>G on transcript NM_001162501.2 (MANE Select); coding-DNA position 1311, C replaced by G.
Protein change: p.Val437=; no amino-acid change (valine 437 retained).
Molecular consequence: synonymous variant. On other transcripts: intron variant (1).
Genome position (GRCh38, 1-based): chr22:40,265,541, C>G. VCF-style: chr22-40265541-C-G. GRCh37 (hg19) VCF-style: chr22-40661545-C-G.
Other names: c.1311C>G, p.Val437= (NM_015088.3); c.565+3368C>G (NM_001024843.2).
Identifiers: ClinVar variation 3036235 (VCV003036235.2), dbSNP rs376017741, ClinGen allele CA10246676.